The following is an entry in ClinVar:

ClinVar aggregate classification (germline): Likely benign. Review status: criteria provided, multiple submitters, no conflicts (2 of 4 stars). 4 submissions from 4 submitters: Likely benign (3). 1 of the submissions does not count toward it. Last evaluated 2025-12-15.

Conditions:
ATR-related disorder. Also called: ATR-related condition.
Inborn genetic diseases. Identifiers: MedGen C0950123, MeSH D030342.

Allele frequency attached by ClinVar (database versions not stated): gnomAD 0.00001; TOPMed 0.00002; ExAC 0.00004; gnomAD exomes 0.00007.
gnomAD v4.1: 107 of 1,613,898 alleles (0.0066%); highest among the groups gnomAD compares: Non-Finnish European, 0.009%; no homozygotes.

Submissions (4):

Labcorp Genetics (formerly Invitae), Labcorp
Classification: Likely benign. Last evaluated: 2025-12-15. Review status: criteria provided, single submitter. Criteria: Invitae Variant Classification Sherloc (09022015). Collection method: clinical testing. Allele origin: germline.

CeGaT Center for Human Genetics Tuebingen
Classification: Likely benign. Last evaluated: 2022-10-01. Review status: criteria provided, single submitter. Criteria: CeGaT Center For Human Genetics Tuebingen Variant Classification Criteria Version 2. Collection method: clinical testing. Allele origin: germline. Affected: yes. Observed: 1 variant allele.
Comment: ATR: BP4, BP7

Ambry Genetics
Classification: Likely benign for Inborn genetic diseases. Last evaluated: 2022-03-04. Review status: criteria provided, single submitter. Criteria: Ambry Variant Classification Scheme 2023. Collection method: clinical testing. Allele origin: germline.

PreventionGenetics, part of Exact Sciences
Classification: Likely benign for ATR-related condition. Last evaluated: 2023-06-13. Review status: no assertion criteria provided. Collection method: clinical testing. Allele origin: germline. Not counted in ClinVar's aggregate classification.
Comment: This variant is classified as likely benign based on ACMG/AMP sequence variant interpretation guidelines (Richards et al. 2015 PMID: 25741868, with internal and published modifications).

NM_001184.4(ATR):c.7543C>T (p.Leu2515=)

Gene: ATR (ATR checkpoint kinase; minus strand). Cytogenetic location: 3q23.
Variant type: single nucleotide variant.
Coding change: c.7543C>T on transcript NM_001184.4 (MANE Select); coding-DNA position 7543, C replaced by T.
Protein change: p.Leu2515=; no amino-acid change (leucine 2515 retained).
Molecular consequence: synonymous variant.
Genome position (GRCh38, 1-based): chr3:142,457,716, G>A on the plus strand (C>T on the coding strand, the complement: ATR is on the minus strand). VCF-style: chr3-142457716-G-A. GRCh37 (hg19) VCF-style: chr3-142176558-G-A.
Other names: c.7351C>T, p.Leu2451= (NM_001354579.2).
Identifiers: ClinVar variation 1759453 (VCV001759453.30), dbSNP rs760275671, ClinGen allele CA2649103.